The following is an entry in ClinVar:

NM_012330.4(KAT6B):c.2666C>A (p.Ser889Tyr)

Gene: KAT6B (lysine acetyltransferase 6B; plus strand). Cytogenetic location: 10q22.2.
Variant type: single nucleotide variant.
Coding change: c.2666C>A on transcript NM_012330.4 (MANE Select); coding-DNA position 2666, C replaced by A.
Protein change: p.Ser889Tyr; replaces serine 889 with tyrosine.
Molecular consequence: missense variant.
Genome position (GRCh38, 1-based): chr10:75,020,618, C>A. VCF-style: chr10-75020618-C-A. GRCh37 (hg19) VCF-style: chr10-76780376-C-A.
Other names: c.2117C>A, p.Ser706Tyr (NM_001256468.2, NM_001370138.1); c.1790C>A, p.Ser597Tyr (NM_001256469.2, NM_001370139.1, NM_001370140.1 and 2 more transcripts); c.1628C>A, p.Ser543Tyr (NM_001370132.1); c.977C>A, p.Ser326Tyr (NM_001370133.1); c.581C>A, p.Ser194Tyr (NM_001370134.1); c.323C>A, p.Ser108Tyr (NM_001370135.1); c.2666C>A, p.Ser889Tyr (NM_001370136.1, NM_001370137.1); c.1601C>A, p.Ser534Tyr (NM_001370143.1, NM_001370144.1); short protein forms S108Y, S194Y, S326Y, S534Y, S543Y, S597Y, S706Y, S889Y.
Identifiers: ClinVar variation 3348021 (VCV003348021.1).

ClinVar aggregate classification (germline): Uncertain significance (0 of 4 stars; one submission).

Conditions:
KAT6B-related disorder. Also called: KAT6B-related disorders; KAT6B-related condition.

Submission:

PreventionGenetics, part of Exact Sciences
Classification: Uncertain significance for KAT6B-related condition. Last evaluated: 2024-04-17. Review status: no assertion criteria provided. Collection method: clinical testing. Allele origin: germline.
Comment: The KAT6B c.2666C>A variant is predicted to result in the amino acid substitution p.Ser889Tyr. To our knowledge, this variant has not been reported in the literature or in a large population database, indicating this variant is rare. At this time, the clinical significance of this variant is uncertain due to the absence of conclusive functional and genetic evidence.